The following is an entry in ClinVar:

NM_004130.4(GYG1):c.872G>T (p.Cys291Phe)

Gene: GYG1 (glycogenin 1; plus strand). Cytogenetic location: 3q24.
Variant type: single nucleotide variant.
Coding change: c.872G>T on transcript NM_004130.4 (MANE Select); coding-DNA position 872, G replaced by T.
Protein change: p.Cys291Phe; replaces cysteine 291 with phenylalanine.
Molecular consequence: missense variant. On other transcripts: intron variant (2).
Genome position (GRCh38, 1-based): chr3:149,026,495, G>T. VCF-style: chr3-149026495-G-T. GRCh37 (hg19) VCF-style: chr3-148744282-G-T.
Other names: c.829-265G>T (NM_001184720.2); c.609-265G>T (NM_001184721.2); c.872G>T (NM_004130.3); short protein forms C291F.
Identifiers: ClinVar variation 1039050 (VCV001039050.9), dbSNP rs75284499, ClinGen allele CA2658680.

ClinVar aggregate classification (germline): Uncertain significance. Review status: criteria provided, multiple submitters, no conflicts (2 of 4 stars). 2 submissions from 2 submitters: Uncertain significance (2). Last evaluated 2023-12-12.

Conditions:
Glycogen storage disease XV (GSD15). Also called: GLYCOGENIN DEFICIENCY; GSD XV. Identifiers: Orphanet 263297, MedGen C3150754, MONDO:0013291, OMIM 613507.
Polyglucosan body myopathy type 2. Identifiers: Orphanet 456369, MedGen C4015452, MONDO:0014526, OMIM 616199.
Inborn genetic diseases. Identifiers: MedGen C0950123, MeSH D030342.

Allele frequency attached by ClinVar (database versions not stated): gnomAD 0.00001; ExAC 0.00026.

Submissions (2):

Ambry Genetics
Classification: Uncertain significance for Inborn genetic diseases. Last evaluated: 2023-12-12. Review status: criteria provided, single submitter. Criteria: Ambry Variant Classification Scheme 2023. Collection method: clinical testing. Allele origin: germline.

Labcorp Genetics (formerly Invitae), Labcorp
Classification: Uncertain significance for Polyglucosan body myopathy type 2; Glycogen storage disease XV. Last evaluated: 2020-08-23. Review status: criteria provided, single submitter. Criteria: Invitae Variant Classification Sherloc (09022015). Collection method: clinical testing. Allele origin: germline.
Comment: In summary, the available evidence is currently insufficient to determine the role of this variant in disease. Therefore, it has been classified as a Variant of Uncertain Significance. Algorithms developed to predict the effect of missense changes on protein structure and function are either unavailable or do not agree on the potential impact of this missense change (SIFT: "Tolerated"; PolyPhen-2: "Probably Damaging"; Align-GVGD: "Class C0"). This variant has not been reported in the literature in individuals with GYG1-related conditions. The frequency data for this variant in the population databases is considered unreliable, as metrics indicate poor data quality at this position in the ExAC database. This sequence change replaces cysteine with phenylalanine at codon 291 of the GYG1 protein (p.Cys291Phe). The cysteine residue is weakly conserved and there is a large physicochemical difference between cysteine and phenylalanine.